The following is an entry in ClinVar:

NM_172351.3(CD46):c.1059T>A (p.Tyr353Ter)

Gene: CD46 (CD46 molecule; plus strand). Cytogenetic location: 1q32.2.
Variant type: single nucleotide variant.
Coding change: c.1059T>A on transcript NM_172351.3 (MANE Select); coding-DNA position 1059, T replaced by A.
Protein change: p.Tyr353Ter; replaces tyrosine 353 with a stop codon.
Molecular consequence: nonsense. On other transcripts: missense variant (1), intron variant (1).
Genome position (GRCh38, 1-based): chr1:207,785,659, T>A. VCF-style: chr1-207785659-T-A. GRCh37 (hg19) VCF-style: chr1-207959004-T-A.
Other names: c.1104T>A, p.Tyr368Ter (NM_002389.4, NM_172359.3); c.1059T>A, p.Tyr353Ter (NM_153826.4); c.1014T>A, p.Tyr338Ter (NM_172352.3, NM_172353.3); c.1017T>A, p.Tyr339Ter (NM_172355.3, NM_172356.3); c.972T>A, p.Tyr324Ter (NM_172357.3, NM_172361.3); c.1022T>A, p.Ile341Asn (NM_172358.3); c.973+553T>A (NM_172350.3); short protein forms I341N, Y324*, Y338*, Y339*, Y353*, Y368*.
Identifiers: ClinVar variation 4854685 (VCV004854685.1).

ClinVar aggregate classification (germline): Pathogenic (1 of 4 stars; one submission).

Conditions:
Atypical hemolytic-uremic syndrome with MCP/CD46 anomaly. Also called: HEMOLYTIC UREMIC SYNDROME, ATYPICAL, SUSCEPTIBILITY TO, 2; AHUS, SUSCEPTIBILITY TO, 2. Identifiers: Orphanet 2134, MedGen C2752040, MONDO:0013040, OMIM 612922.

Submission:

3billion
Classification: Pathogenic for Atypical hemolytic-uremic syndrome with MCP/CD46 anomaly. Last evaluated: 2025-09-02. Review status: criteria provided, single submitter. Criteria: ACMG Guidelines, 2015. Collection method: clinical testing. Allele origin: germline. Affected: yes.
Comment: The variant is not observed in the gnomAD v4.1.0 dataset. Predicted Consequence/Location: Stop-gained (nonsense): predicted to result in a loss or disruption of normal protein function through nonsense-mediated decay (NMD) or protein truncation. Multiple pathogenic variants are reported downstream of the variant. Therefore, this variant is classified as Pathogenic according to the recommendation of ACMG/AMP guideline.